The following is an entry in ClinVar:

NM_001486.4(GCKR):c.51C>T (p.Gly17=)

Gene: GCKR (glucokinase regulator; plus strand). Cytogenetic location: 2p23.3.
Variant type: single nucleotide variant.
Coding change: c.51C>T on transcript NM_001486.4 (MANE Select); coding-DNA position 51, C replaced by T.
Protein change: p.Gly17=; no amino-acid change (glycine 17 retained).
Molecular consequence: synonymous variant.
Genome position (GRCh38, 1-based): chr2:27,496,955, C>T. VCF-style: chr2-27496955-C-T. GRCh37 (hg19) VCF-style: chr2-27719822-C-T.
Identifiers: ClinVar variation 2119196 (VCV002119196.4), dbSNP rs1326741003, ClinGen allele CA425417151.

ClinVar aggregate classification (germline): Uncertain significance (1 of 4 stars; one submission).

Allele frequency attached by ClinVar (database versions not stated): TOPMed below 0.00001.

Submission:

Labcorp Genetics (formerly Invitae), Labcorp
Classification: Uncertain significance. Last evaluated: 2022-03-29. Review status: criteria provided, single submitter. Criteria: Invitae Variant Classification Sherloc (09022015). Collection method: clinical testing. Allele origin: germline.
Comment: In summary, the available evidence is currently insufficient to determine the role of this variant in disease. Therefore, it has been classified as a Variant of Uncertain Significance. Algorithms developed to predict the effect of sequence changes on RNA splicing suggest that this variant may create or strengthen a splice site. This variant has not been reported in the literature in individuals affected with GCKR-related conditions. This variant is not present in population databases (gnomAD no frequency). This sequence change affects codon 17 of the GCKR mRNA. It is a 'silent' change, meaning that it does not change the encoded amino acid sequence of the GCKR protein.